The following is an entry in ClinVar:

ClinVar aggregate classification (germline): Uncertain significance (1 of 4 stars; one submission).

gnomAD v4.1: 1 of 1,614,174 alleles (0.000062%); highest among the groups gnomAD compares: Non-Finnish European, 0.000085%; no homozygotes.

Submission:

Labcorp Genetics (formerly Invitae), Labcorp
Classification: Uncertain significance. Last evaluated: 2025-07-03. Review status: criteria provided, single submitter. Criteria: Invitae Variant Classification Sherloc (09022015). Collection method: clinical testing. Allele origin: germline.
Comment: This sequence change replaces cysteine, which is neutral and slightly polar, with serine, which is neutral and polar, at codon 746 of the ADGRE2 protein (p.Cys746Ser). This variant is not present in population databases (gnomAD no frequency). This variant has not been reported in the literature in individuals affected with ADGRE2-related conditions. An algorithm developed to predict the effect of missense changes on protein structure and function outputs the following: PolyPhen-2: "Possibly Damaging". The serine amino acid residue is found in multiple mammalian species, which suggests that this missense change does not adversely affect protein function. In summary, the available evidence is currently insufficient to determine the role of this variant in disease. Therefore, it has been classified as a Variant of Uncertain Significance.

NM_013447.4(ADGRE2):c.2236T>A (p.Cys746Ser)

Gene: ADGRE2 (adhesion G protein-coupled receptor E2; minus strand). Cytogenetic location: 19p13.12.
Variant type: single nucleotide variant.
Coding change: c.2236T>A on transcript NM_013447.4 (MANE Select); coding-DNA position 2236, T replaced by A.
Protein change: p.Cys746Ser; replaces cysteine 746 with serine.
Molecular consequence: missense variant.
Genome position (GRCh38, 1-based): chr19:14,743,732, A>T on the plus strand (T>A on the coding strand, the complement: ADGRE2 is on the minus strand). VCF-style: chr19-14743732-A-T. GRCh37 (hg19) VCF-style: chr19-14854544-A-T.
Other names: c.2062T>A, p.Cys688Ser (NM_001271052.1); c.2089T>A, p.Cys697Ser (NM_152916.2); c.1957T>A, p.Cys653Ser (NM_152917.2); short protein forms C653S, C688S, C697S, C746S.
Identifiers: ClinVar variation 4806575 (VCV004806575.1).